The following is an entry in ClinVar:

NM_018075.5(ANO10):c.628C>T (p.Leu210=)

Gene: ANO10 (anoctamin 10; minus strand). Cytogenetic location: 3p22.1.
Variant type: single nucleotide variant.
Coding change: c.628C>T on transcript NM_018075.5 (MANE Select); coding-DNA position 628, C replaced by T.
Protein change: p.Leu210=; no amino-acid change (leucine 210 retained).
Molecular consequence: synonymous variant. On other transcripts: intron variant (1).
Genome position (GRCh38, 1-based): chr3:43,577,226, G>A on the plus strand (C>T on the coding strand, the complement: ANO10 is on the minus strand). VCF-style: chr3-43577226-G-A. GRCh37 (hg19) VCF-style: chr3-43618718-G-A.
Other names: c.628C>T, p.Leu210= (NM_001204831.3, NM_001346463.2, NM_001346464.2 and 3 more transcripts); c.430C>T, p.Leu144= (NM_001204832.3, NM_001346466.2, NM_001346469.2); c.295C>T, p.Leu99= (NM_001204833.3); c.593-2362C>T (NM_001204834.3); c.628C>T (NM_018075.3).
Identifiers: ClinVar variation 2976306 (VCV002976306.4), dbSNP rs780192694, ClinGen allele CA2340978.

ClinVar aggregate classification (germline): Conflicting classifications of pathogenicity. Review status: criteria provided, conflicting classifications (1 of 4 stars). 2 submissions from 2 submitters: Uncertain significance (1); Likely benign (1). Last evaluated 2025-12-29.

Allele frequency attached by ClinVar (database versions not stated): TOPMed 0.00001; ExAC 0.00001.
gnomAD v4.1: 3 of 1,614,092 alleles (0.00019%); highest among the groups gnomAD compares: Non-Finnish European, 0.00025%; no homozygotes.

Submissions (2):

Labcorp Genetics (formerly Invitae), Labcorp
Classification: Likely benign. Last evaluated: 2025-12-29. Review status: criteria provided, single submitter. Criteria: Invitae Variant Classification Sherloc (09022015). Collection method: clinical testing. Allele origin: germline.

Athena Diagnostics
Classification: Uncertain significance. Last evaluated: 2023-11-01. Review status: criteria provided, single submitter. Criteria: Athena Diagnostics Criteria. Collection method: clinical testing. Allele origin: unknown.
Comment: Available data are insufficient to determine the clinical significance of the variant at this time. The frequency of this variant in the general population is uninformative in assessment of its pathogenicity. Computational tools yielded predictions that this variant is unlikely to have an effect on normal RNA splicing.